The following is an entry in ClinVar:

NC_000008.11:g.11474237T>A

Genes: BLK (BLK proto-oncogene, Src family tyrosine kinase), FAM167A (family with sequence similarity 167 member A). Cytogenetic location: 8p23.1.
Variant type: single nucleotide variant.
Genome position: GRCh38 VCF-style: chr8-11474237-T-A. GRCh37 (hg19) VCF-style: chr8-11331746-T-A.
Identifiers: ClinVar variation 3045986 (VCV003045986.2), dbSNP rs2486090963, ClinGen allele CA2740094965.

ClinVar aggregate classification (germline): Likely benign (0 of 4 stars; one submission).

Conditions:
BLK-related disorder. Also called: BLK-related condition.

Submission:

PreventionGenetics, part of Exact Sciences
Classification: Likely benign for BLK-related condition. Last evaluated: 2022-08-01. Review status: no assertion criteria provided. Collection method: clinical testing. Allele origin: germline.
Comment: This variant is classified as likely benign based on ACMG/AMP sequence variant interpretation guidelines (Richards et al. 2015 PMID: 25741868, with internal and published modifications).